The following is an entry in ClinVar:

ClinVar aggregate classification (germline): Pathogenic. Review status: criteria provided, multiple submitters, no conflicts (2 of 4 stars). 7 submissions from 7 submitters: Pathogenic (6). 1 of the submissions does not count toward it. Last evaluated 2026-02-02.

Conditions:
Cardiovascular phenotype. Identifiers: MedGen CN230736.
KCNH2-related disorder. Also called: KCNH2-related disorders; KCNH2-related condition.
Familial long QT syndrome (RWS). Also called: Congenital long QT syndrome; Romano-Ward syndrome; VENTRICULAR FIBRILLATION WITH PROLONGED QT INTERVAL. Identifiers: Orphanet 768, MedGen C1141890, MONDO:0019171.
Long QT syndrome (LQTS). Identifiers: MedGen C0023976, MeSH D008133, MONDO:0002442. Disease mechanism: loss of function. Inheritance: Various modes of inheritance.
Long QT syndrome 2 (LQT2). Identifiers: Orphanet 101016, Orphanet 768, MedGen C3150943, MONDO:0013367, OMIM 613688.

Submissions (7):

Labcorp Genetics (formerly Invitae), Labcorp
Classification: Pathogenic for Long QT syndrome. Last evaluated: 2026-02-02. Review status: criteria provided, single submitter. Criteria: Invitae Variant Classification Sherloc (09022015). Collection method: clinical testing. Allele origin: germline.
Comment: This sequence change replaces asparagine, which is neutral and polar, with serine, which is neutral and polar, at codon 633 of the KCNH2 protein (p.Asn633Ser). This variant is not present in population databases (gnomAD no frequency). This missense change has been observed in individuals with long QT syndrome (PMID: 9544837, 17088455, 19996378, 22949429). ClinVar contains an entry for this variant (Variation ID: 67323). An algorithm developed to predict the effect of missense changes on protein structure and function (PolyPhen-2) suggests that this variant is likely to be disruptive. Experimental studies have shown that this missense change affects KCNH2 function (PMID: 25417810). For these reasons, this variant has been classified as Pathogenic.

Mayo Clinic Laboratories, Mayo Clinic
Classification: Pathogenic. Last evaluated: 2024-03-29. Review status: criteria provided, single submitter. Criteria: ACMG Guidelines, 2015. Collection method: clinical testing. Allele origin: germline. Observed: 1 variant allele.
Comment: PP2, PP3, PP4, PM1, PM2, PS3_supporting, PS4

PreventionGenetics, part of Exact Sciences
Classification: Pathogenic for KCNH2-related condition. Last evaluated: 2022-12-15. Review status: criteria provided, single submitter. Criteria: ACMG Guidelines, 2015. Collection method: clinical testing. Allele origin: germline.
Comment: The KCNH2 c.1898A>G variant is predicted to result in the amino acid substitution p.Asn633Ser. This variant was reported in multiple individuals with long QT syndrome (Satler et al. 1998. PubMed ID: 9544837; Table S2, Giudicessi et al. 2012. PubMed ID: 22949429; Supplementary Table, Marschall et al. 2019. PubMed ID: 31737537). Functional studies showed that this variant results in reduced expression, abnormal trafficking, and enhanced channel inactivation (Table S4, Anderson et al. 2014. PubMed ID: 25417810; Supplementary Table, Marschall et al. 2019. PubMed ID: 31737537; Ng et al. 2020. PubMed ID: 31557540). This variant has not been reported in a large population database, indicating this variant is rare. This variant is interpreted as pathogenic.

GeneDx
Classification: Pathogenic. Last evaluated: 2022-07-12. Review status: criteria provided, single submitter. Criteria: GeneDx Variant Classification Process June 2021. Collection method: clinical testing. Allele origin: germline. Affected: yes.
Comment: Identified several unrelated individuals from different ethnic backgrounds with LQTS in published literature (Satler et al., 1998; Lupoglazoff et al., 2001; Nemec et al., 2003; Khositseth et al., 2004; Tester et al., 2005; Tan et al., 2006; Nagaoka et al., 2008; Berge et al., 2008; Kapa et al., 2009; Itoh et al., 2010; Giudicessie et al., 2012; Christiansen et al., 2014; Itoh et al., 2016; Izumi et al., 2016) and referred for genetic testing at GeneDx; Not observed at significant frequency in large population cohorts (gnomAD); Functional studies suggest that this variant impairs proper KCNH2 channel trafficking and channel function (She et al., 2006; Anderson et al., 2014; Ng et al., 2019); In silico analysis supports that this missense variant has a deleterious effect on protein structure/function; This variant is associated with the following publications: (PMID: 18752142, 17088455, 18441445, 16842670, 22949429, 9544837, 11222472, 15840476, 26669661, 27041096, 24606995, 23158531, 20541041, 19841300, 15851119, 12877697, 32940533, 31557540, 25417810, 31737537)

Ambry Genetics
Classification: Pathogenic for Cardiovascular phenotype. Last evaluated: 2022-06-22. Review status: criteria provided, single submitter. Criteria: Ambry Variant Classification Scheme 2023. Collection method: clinical testing. Allele origin: germline.
Comment: The p.N633S pathogenic mutation (also known as c.1898A>G), located in coding exon 7 of the KCNH2 gene, results from an A to G substitution at nucleotide position 1898. The asparagine at codon 633 is replaced by serine, an amino acid with highly similar properties. This alteration has been previously reported in a number of individuals with long QT syndrome (LQTS) (Satler CA et al. Hum Genet. 1998;102:265-72; Tan HL et al. Circulation. 2006;114:2096-103; Nagaoka I et al. Circ J. 2008;72:694-9; Berge KE et al. Scand J Clin Lab Invest. 2008;68:362-8; Kapa S et al. Circulation. 2009;120:1752-60; Christiansen M et al. BMC Med. Genet. 2014;15:31). In functional in vitro analyses, this variant has been suggested to affect the potassium channel current (She HR et al. Zhonghua Xin Xue Guan Bing Za Zhi. 2006;34:523-7; Ng CA et al. Heart Rhythm. 2020 03;17(3):492-500; Perry MD et al. Cardiovasc Res. 2020 07;116(8):1434-1445) and to cause protein trafficking deficiency (Anderson CL et al. Nat Commun. 2014;5:5535; O'Hare BJ et al. Circ Genom Precis Med. 2020 10;13(5):466-475). Based on internal structural analysis, this variant is predicted to be structurally destabilizing (Liu J et al. J Gen Physiol. 2002 Nov;120(5):723-37; Butler A et a. Front Pharmacol. 2019 Jan;10:1572; Ambry internal data). This variant is considered to be rare based on population cohorts in the Genome Aggregation Database (gnomAD). Based on the supporting evidence, this alteration is interpreted as a disease-causing mutation.

MVZ Martinsried, Medicover Genetics
Classification: Pathogenic for Long QT syndrome 2. Last evaluated: 2017-11-27. Review status: criteria provided, single submitter. Criteria: ACMG Guidelines, 2015. Collection method: clinical testing. Allele origin: unknown. Affected: yes.

Cardiovascular Biomedical Research Unit, Royal Brompton & Harefield NHS Foundation Trust
No classification provided. Condition: Familial long QT syndrome. Review status: no classification provided. Collection method: literature only. Allele origin: germline. Not counted in ClinVar's aggregate classification.
Comment: This variant has been reported as associated with Long QT syndrome in the following publications (PMID:9544837;PMID:11222472;PMID:12877697;PMID:15840476;PMID:16842670;PMID:18441445;PMID:18752142;PMID:19841300). This is a literature report, and does not necessarily reflect the clinical interpretation of the Imperial College / Royal Brompton Cardiovascular Genetics laboratory.

Literature cited by the submitters: PubMed 9544837 (cited by 4 submitters); PubMed 17088455 (cited by 3 submitters); PubMed 19996378 (cited by Labcorp Genetics (formerly Invitae), Labcorp and Ambry Genetics); PubMed 22949429 (cited by Labcorp Genetics (formerly Invitae), Labcorp and Mayo Clinic Laboratories, Mayo Clinic); PubMed 25417810 (cited by 3 submitters); PubMed 11222472 (cited by Mayo Clinic Laboratories, Mayo Clinic and Cardiovascular Biomedical Research Unit, Royal Brompton & Harefield NHS Foundation Trust); PubMed 15840476 (cited by Mayo Clinic Laboratories, Mayo Clinic and Cardiovascular Biomedical Research Unit, Royal Brompton & Harefield NHS Foundation Trust); PubMed 16842670 (cited by 3 submitters); PubMed 18441445 (cited by 3 submitters); PubMed 18752142 (cited by 3 submitters); PubMed 24606995 (cited by Mayo Clinic Laboratories, Mayo Clinic and Ambry Genetics); PubMed 32940533 (cited by Mayo Clinic Laboratories, Mayo Clinic and Ambry Genetics); PubMed 12407082 (cited by Ambry Genetics); PubMed 16155735 (cited by Ambry Genetics); PubMed 18593567 (cited by Ambry Genetics); PubMed 19841300 (cited by Ambry Genetics and Cardiovascular Biomedical Research Unit, Royal Brompton & Harefield NHS Foundation Trust); PubMed 20541041 (cited by Ambry Genetics); PubMed 24363352 (cited by Ambry Genetics); PubMed 26669661 (cited by Ambry Genetics); PubMed 27041096 (cited by Ambry Genetics); PubMed 31557540 (cited by Ambry Genetics); PubMed 31628797 (cited by Ambry Genetics); PubMed 31737537 (cited by Ambry Genetics); PubMed 32038248 (cited by Ambry Genetics); PubMed 33198487 (cited by Ambry Genetics); PubMed 12877697 (cited by Cardiovascular Biomedical Research Unit, Royal Brompton & Harefield NHS Foundation Trust); PubMed 22581653 (cited by Cardiovascular Biomedical Research Unit, Royal Brompton & Harefield NHS Foundation Trust).

NM_000238.4(KCNH2):c.1898A>G (p.Asn633Ser)

Gene: KCNH2 (potassium voltage-gated channel subfamily H member 2; minus strand). Cytogenetic location: 7q36.1.
Variant type: single nucleotide variant.
Coding change: c.1898A>G on transcript NM_000238.4 (MANE Select); coding-DNA position 1898, A replaced by G.
Protein change: p.Asn633Ser; replaces asparagine 633 with serine.
Molecular consequence: missense variant.
Genome position (GRCh38, 1-based): chr7:150,951,495, T>C on the plus strand (A>G on the coding strand, the complement: KCNH2 is on the minus strand). VCF-style: chr7-150951495-T-C. GRCh37 (hg19) VCF-style: chr7-150648583-T-C.
Other names: p.N633S:AAC>AGC; c.1898A>G (LRG_288t1); c.878A>G, p.Asn293Ser (NM_001204798.2, NM_172057.3); c.1610A>G, p.Asn537Ser (NM_001406753.1, NM_001406756.1); c.1721A>G, p.Asn574Ser (NM_001406755.1); c.1598A>G, p.Asn533Ser (NM_001406757.1); c.1898A>G, p.Asn633Ser (NM_172056.3); short protein forms N293S, N633S, N537S, N574S, N533S.
Identifiers: ClinVar variation 67323 (VCV000067323.18), dbSNP rs199472961, ClinGen allele CA005905.